The following is an entry in ClinVar:

NM_000038.6(APC):c.3839del (p.Leu1280fs)

Gene: APC (APC regulator of Wnt signaling pathway; plus strand). Cytogenetic location: 5q22.2.
Variant type: Deletion.
Coding change: c.3839del on transcript NM_000038.6 (MANE Select); coding-DNA position 3839, one base deleted (T; older notation c.3839delT).
Protein change: p.Leu1280fs; shifts the reading frame from leucine 1280.
Molecular consequence: frameshift variant.
Genome position (GRCh38, 1-based): chr5:112,839,433, T deleted; the last of 3 consecutive T bases (chr5:112,839,431-112,839,433); deleting any one gives the same sequence. VCF-style (leftmost placement, unchanged base first): chr5-112839430-CT-C. GRCh37 (hg19) VCF-style: chr5-112175127-CT-C.
Other names: c.3839del, p.Leu1280fs (NM_001127510.3, NM_001354895.2); c.3785del, p.Leu1262fs (NM_001127511.3); c.3893del, p.Leu1298fs (NM_001354896.2); c.3869del, p.Leu1290fs (NM_001354897.2); c.3764del, p.Leu1255fs (NM_001354898.2); c.3755del, p.Leu1252fs (NM_001354899.2); c.3716del, p.Leu1239fs (NM_001354900.2); c.3662del, p.Leu1221fs (NM_001354901.2); and 5 more; short protein forms L1120fs, L1179fs, L1239fs, L1290fs, L1154fs, L1255fs, L1280fs, L1189fs.
Identifiers: ClinVar variation 850820 (VCV000850820.12), dbSNP rs1765534642, ClinGen allele CA658760593.
Genomic context (GRCh38, chr5:112,839,430, plus strand): 5'-TACAGACTTATTGTGTAGAAGATACTCCAATATGTTTTTCAAGATGTAGTTCATTATCAT[CT>C]TTGTCATCAGCTGAAGATGAAATAGGATGTAATCAGACGACACAGGAAGCAGATTCTGCT-3'

ClinVar aggregate classification (germline): Pathogenic. Review status: criteria provided, multiple submitters, no conflicts (2 of 4 stars). 2 submissions from 2 submitters: Pathogenic (2). Last evaluated 2023-05-09.

Conditions:
Familial adenomatous polyposis 1 (FAP1). Also called: FAMILIAL ADENOMATOUS POLYPOSIS 1, ATTENUATED; POLYPOSIS, ADENOMATOUS INTESTINAL. Identifiers: MedGen C2713442, MONDO:0021056, OMIM 175100. Disease mechanism: loss of function.

Submissions (2):

Myriad Genetics, Inc.
Classification: Pathogenic for Familial adenomatous polyposis 1. Last evaluated: 2023-05-09. Review status: criteria provided, single submitter. Criteria: Myriad Autosomal Dominant, Autosomal Recessive and X-Linked Classification Criteria (2023). Collection method: clinical testing. Allele origin: unknown.
Comment: This variant is considered pathogenic. This variant creates a frameshift predicted to result in premature protein truncation.

Labcorp Genetics (formerly Invitae), Labcorp
Classification: Pathogenic for Familial adenomatous polyposis 1. Last evaluated: 2019-11-20. Review status: criteria provided, single submitter. Criteria: Invitae Variant Classification Sherloc (09022015). Collection method: clinical testing. Allele origin: germline.
Comment: This sequence change results in a premature translational stop signal in the APC gene (p.Leu1280Cysfs*8). While this is not anticipated to result in nonsense mediated decay, it is expected to disrupt the last 1564 amino acids of the APC protein. This variant is not present in population databases (ExAC no frequency). This variant has been observed in an individual with familial adenomatous polyposis (PMID: 21110124). A different truncation (p.Tyr2645Lysfs*14) that lies downstream of this variant has been determined to be pathogenic (PMID: 9824584, 1316610, 27081525, 8381579, 22135120, Invitae). This suggests that deletion of this region of the APC protein is causative of disease. For these reasons, this variant has been classified as Pathogenic. This variant is expected to disrupt the EB1 and HDLG binding sites, which mediate interactions with the cytoskeleton (PMID: 15311282, 17293347). While functional studies have not been performed to directly test the effect on APC protein function, this suggests that disruption of the C-terminal portion of the protein is functionally important.

Literature cited by the submitters: PubMed 21110124 (cited by Labcorp Genetics (formerly Invitae), Labcorp); PubMed 9824584 (cited by Labcorp Genetics (formerly Invitae), Labcorp); PubMed 1316610 (cited by Labcorp Genetics (formerly Invitae), Labcorp); PubMed 27081525 (cited by Labcorp Genetics (formerly Invitae), Labcorp); PubMed 8381579 (cited by Labcorp Genetics (formerly Invitae), Labcorp); PubMed 22135120 (cited by Labcorp Genetics (formerly Invitae), Labcorp); PubMed 15311282 (cited by Labcorp Genetics (formerly Invitae), Labcorp); PubMed 17293347 (cited by Labcorp Genetics (formerly Invitae), Labcorp).